The following is an entry in ClinVar:

NM_001104631.2(PDE4D):c.881T>G (p.Leu294Arg)

Gene: PDE4D (phosphodiesterase 4D; minus strand). Cytogenetic location: 5q11.2.
Variant type: single nucleotide variant.
Coding change: c.881T>G on transcript NM_001104631.2 (MANE Select); coding-DNA position 881, T replaced by G.
Protein change: p.Leu294Arg; replaces leucine 294 with arginine.
Molecular consequence: missense variant. On other transcripts: 5 prime UTR variant (2).
Genome position (GRCh38, 1-based): chr5:59,038,899, A>C on the plus strand (T>G on the coding strand, the complement: PDE4D is on the minus strand). VCF-style: chr5-59038899-A-C. GRCh37 (hg19) VCF-style: chr5-58334726-A-C.
Other names: c.698T>G, p.Leu233Arg (NM_001165899.2, NM_001364599.1); c.689T>G, p.Leu230Arg (NM_001197218.2); c.515T>G, p.Leu172Arg (NM_001197219.2); c.491T>G, p.Leu164Arg (NM_001197220.2); c.-26T>G (NM_001197221.2, NM_001364603.1); c.209T>G, p.Leu70Arg (NM_001197222.2); c.668T>G, p.Leu223Arg (NM_001349241.2); c.551T>G, p.Leu184Arg (NM_001349242.2); and 2 more; short protein forms L233R, L294R, L184R, L230R, L158R, L164R, L172R, L38R.
Identifiers: ClinVar variation 379784 (VCV000379784.2), dbSNP rs1057520731, ClinGen allele CA16604814.

ClinVar aggregate classification (germline): Pathogenic (1 of 4 stars; one submission).

Submission:

GeneDx
Classification: Pathogenic. Last evaluated: 2015-06-01. Review status: criteria provided, single submitter. Criteria: GeneDx Variant Classification (06012015). Collection method: clinical testing. Allele origin: germline. Affected: yes.
Comment: The L294R variant in the PDE4D gene has not been reported previously as pathogenicnor as a benign polymorphism, to our knowledge. The L294R substitution was not observed in approximately6300 individuals of European and African American ancestry in the NHLBI Exome Sequencing Project,indicating it is not a common benign variant in these populations. The L294R variant is a non-conservativeamino acid substitution, which is likely to impact secondary protein structure as these residues differ inpolarity, charge, size and/or other properties. This substitution occurs at a position that is conserved acrossspecies, and in silico analysis predicts this variant is probably damaging to the protein structure/function.Missense variants in nearby residues (S301T, M303V, A304V) have been reported in the Human GeneMutation Database in association with acrodysostosis (Stenson et al., 2014), supporting the functionalimportance of this region of the protein. We interpret L294R as a pathogenic variant.